The following is an entry in ClinVar:

ClinVar aggregate classification (germline): Uncertain significance. Review status: criteria provided, multiple submitters, no conflicts (2 of 4 stars). 2 submissions from 2 submitters: Uncertain significance (2). Last evaluated 2025-10-22.

Conditions:
Inborn genetic diseases. Identifiers: MedGen C0950123, MeSH D030342.

gnomAD v4.1: 1 of 1,164,979 alleles (0.000086%); highest among the groups gnomAD compares: Admixed American, 0.0026%; no homozygotes.

Submissions (2):

Ambry Genetics
Classification: Uncertain significance for Inborn genetic diseases. Last evaluated: 2025-10-22. Review status: criteria provided, single submitter. Criteria: Ambry Variant Classification Scheme 2023. Collection method: clinical testing. Allele origin: germline.

GeneDx
Classification: Uncertain significance. Last evaluated: 2024-03-29. Review status: criteria provided, single submitter. Criteria: GeneDx Variant Classification Process June 2021. Collection method: clinical testing. Allele origin: germline. Affected: yes.
Comment: Not observed at significant frequency in large population cohorts (gnomAD); In silico analysis supports that this missense variant has a deleterious effect on protein structure/function; Has not been previously published as pathogenic or benign to our knowledge

NM_001042750.2(STAG2):c.2803G>T (p.Gly935Cys)

Gene: STAG2 (STAG2 cohesin complex component; plus strand). Cytogenetic location: Xq25.
Variant type: single nucleotide variant.
Coding change: c.2803G>T on transcript NM_001042750.2 (MANE Select); coding-DNA position 2803, G replaced by T.
Protein change: p.Gly935Cys; replaces glycine 935 with cysteine.
Molecular consequence: missense variant.
Genome position (GRCh38, 1-based): chrX:124,081,407, G>T. VCF-style: chrX-124081407-G-T. GRCh37 (hg19) VCF-style: chrX-123215257-G-T.
Other names: c.2803G>T, p.Gly935Cys (NM_001042749.2, NM_001042751.2, NM_001282418.2 and 13 more transcripts); c.2803G>T (NM_001042749.1); short protein forms G935C.
Identifiers: ClinVar variation 3371137 (VCV003371137.2).